The following is an entry in ClinVar:

ClinVar aggregate classification (germline): Conflicting classifications of pathogenicity. Review status: criteria provided, conflicting classifications (1 of 4 stars). 3 submissions from 3 submitters: Uncertain significance (2); Likely benign (1). Last evaluated 2026-01-17.

Conditions:
Inborn genetic diseases. Identifiers: MedGen C0950123, MeSH D030342.

Allele frequency attached by ClinVar (database versions not stated): gnomAD 0.00002 and 0.00001; 1000 Genomes Project 30x 0.00016; gnomAD exomes 0.00002; ESP Exome Variant Server 0.00008; 1000 Genomes Project 0.00020; ExAC 0.00002.
gnomAD v4.1: 18 of 1,614,228 alleles (0.0011%); highest among the groups gnomAD compares: African/African-American, 0.0053%; no homozygotes.

Submissions (3):

Labcorp Genetics (formerly Invitae), Labcorp
Classification: Likely benign. Last evaluated: 2026-01-17. Review status: criteria provided, single submitter. Criteria: Invitae Variant Classification Sherloc (09022015). Collection method: clinical testing. Allele origin: germline.

Ambry Genetics
Classification: Uncertain significance for Inborn genetic diseases. Last evaluated: 2025-01-09. Review status: criteria provided, single submitter. Criteria: Ambry Variant Classification Scheme 2023. Collection method: clinical testing. Allele origin: germline.

ARUP Laboratories, Molecular Genetics and Genomics, ARUP Laboratories
Classification: Uncertain significance. Last evaluated: 2020-04-02. Review status: criteria provided, single submitter. Criteria: ARUP Molecular Germline Variant Investigation Process. Collection method: clinical testing. Allele origin: germline.
Comment: The FLNB c.6211G>A; p.Val2071Ile variant (rs201831615), to our knowledge, is not reported in the medical literature or gene specific databases. This variant is only observed on five alleles in the Genome Aggregation Database, indicating it is not a common polymorphism. The valine at codon 2071 is highly conserved, and computational analyses (SIFT: tolerated, PolyPhen-2: probably damaging) predict conflicting effects of this variant on protein structure/function. Due to limited information, the clinical significance of the p.Val2071Ile variant is uncertain at this time.

NM_001457.4(FLNB):c.6211G>A (p.Val2071Ile)

Gene: FLNB (filamin B; plus strand). Cytogenetic location: 3p14.3.
Variant type: single nucleotide variant.
Coding change: c.6211G>A on transcript NM_001457.4 (MANE Select); coding-DNA position 6211, G replaced by A.
Protein change: p.Val2071Ile; replaces valine 2071 with isoleucine.
Molecular consequence: missense variant.
Genome position (GRCh38, 1-based): chr3:58,149,969, G>A. VCF-style: chr3-58149969-G-A. GRCh37 (hg19) VCF-style: chr3-58135696-G-A.
Other names: c.6304G>A, p.Val2102Ile (NM_001164317.2); c.6178G>A, p.Val2060Ile (NM_001164318.2); c.6139G>A, p.Val2047Ile (NM_001164319.2); c.6211G>A (NM_001457.3); short protein forms V2047I, V2060I, V2071I, V2102I.
Identifiers: ClinVar variation 994115 (VCV000994115.12), dbSNP rs201831615, ClinGen allele CA2469275.